The following is an entry in ClinVar:

ClinVar aggregate classification (germline): Uncertain significance. Review status: criteria provided, multiple submitters, no conflicts (2 of 4 stars). 3 submissions from 3 submitters: Uncertain significance (3). Last evaluated 2024-11-28.

Conditions:
Glanzmann thrombasthenia 2. Also called: BLEEDING DISORDER, PLATELET-TYPE, 23. Identifiers: MedGen C5543273, MONDO:0031009, OMIM 619267.
Bleeding disorder, platelet-type, 24. Also called: GLANZMANN THROMBASTHENIA-LIKE WITH MACROTHROMBOCYTOPENIA 2. Identifiers: MedGen C5543280, MONDO:0030996, OMIM 619271.
Myocardial infarction, susceptibility to. Identifiers: MedGen C1832662, MONDO:0012039, OMIM 608446.

Submissions (3):

Blueprint Genetics
Classification: Uncertain significance. Last evaluated: 2024-11-28. Review status: criteria provided, single submitter. Criteria: ACMG Guidelines, 2015. Collection method: clinical testing. Allele origin: germline.

Labcorp Genetics (formerly Invitae), Labcorp
Classification: Uncertain significance. Last evaluated: 2024-10-02. Review status: criteria provided, single submitter. Criteria: Invitae Variant Classification Sherloc (09022015). Collection method: clinical testing. Allele origin: germline.
Comment: This sequence change replaces threonine, which is neutral and polar, with methionine, which is neutral and non-polar, at codon 784 of the ITGB3 protein (p.Thr784Met). This variant is present in population databases (rs367659742, gnomAD 0.02%). This missense change has been observed in individual(s) with bone marrow failure syndrome (PMID: 33718801). An algorithm developed to predict the effect of missense changes on protein structure and function (PolyPhen-2) suggests that this variant is likely to be disruptive. In summary, the available evidence is currently insufficient to determine the role of this variant in disease. Therefore, it has been classified as a Variant of Uncertain Significance.

Fulgent Genetics
Classification: Uncertain significance for Myocardial infarction, susceptibility to; Glanzmann thrombasthenia 2; Bleeding disorder, platelet-type, 24. Last evaluated: 2024-04-03. Review status: criteria provided, single submitter. Criteria: ACMG Guidelines, 2015. Collection method: clinical testing. Allele origin: germline.

Literature cited by the submitters: PubMed 33718801 (cited by Labcorp Genetics (formerly Invitae), Labcorp).

NM_000212.3(ITGB3):c.2351C>T (p.Thr784Met)

Genes: EFCAB13-DT (EFCAB13 divergent transcript; minus strand), ITGB3 (integrin subunit beta 3; plus strand). Cytogenetic location: 17q21.32.
Variant type: single nucleotide variant.
Coding change: c.2351C>T on transcript NM_000212.3 (MANE Select); coding-DNA position 2351, C replaced by T.
Protein change: p.Thr784Met; replaces threonine 784 with methionine.
Molecular consequence: missense variant.
Genome position (GRCh38, 1-based): chr17:47,310,188, C>T. VCF-style: chr17-47310188-C-T. GRCh37 (hg19) VCF-style: chr17-45387554-C-T.
Other names: short protein forms T784M.
Identifiers: ClinVar variation 3582202 (VCV003582202.3).